The following is an entry in ClinVar:

ClinVar aggregate classification (germline): Uncertain significance (1 of 4 stars; one submission).

Submission:

Women's Health and Genetics/Laboratory Corporation of America, LabCorp
Classification: Uncertain significance. Last evaluated: 2025-05-02. Review status: criteria provided, single submitter. Criteria: LabCorp Variant Classification Summary - May 2015. Collection method: clinical testing. Allele origin: germline.
Comment: Variant summary: SPTLC1 c.-19C>T is located in the untranslated mRNA region upstream of the initiation codon. The variant allele was found at a frequency of 4e-06 in 248096 control chromosomes. The available data on variant occurrences in the general population are insufficient to allow any conclusion about variant significance. To our knowledge, no occurrence of c.-19C>T in individuals affected with Neuropathy, hereditary sensory and autonomic, type 1A and no experimental evidence demonstrating its impact on protein function have been reported. No submitters have cited clinical-significance assessments for this variant to ClinVar. Based on the evidence outlined above, the variant was classified as uncertain significance.

NM_006415.4(SPTLC1):c.-19C>T

Gene: SPTLC1 (serine palmitoyltransferase long chain base subunit 1; minus strand). Cytogenetic location: 9q22.31.
Variant type: single nucleotide variant.
Coding change: c.-19C>T on transcript NM_006415.4 (MANE Select); 19 bases upstream of the start codon, C replaced by T.
Molecular consequence: 5 prime UTR variant.
Genome position (GRCh38, 1-based): chr9:92,115,389, G>A on the plus strand (C>T on the coding strand, the complement: SPTLC1 is on the minus strand). VCF-style: chr9-92115389-G-A. GRCh37 (hg19) VCF-style: chr9-94877671-G-A.
Other names: c.-19C>T (NM_001281303.2, NM_178324.3); c.-518C>T (NM_001368272.1); c.-629C>T (NM_001368273.1).
Identifiers: ClinVar variation 3902561 (VCV003902561.1).